The following is an entry in ClinVar:

NM_015164.4(PLEKHM2):c.1148C>T (p.Thr383Met)

Gene: PLEKHM2 (pleckstrin homology and RUN domain containing M2; plus strand). Cytogenetic location: 1p36.21.
Variant type: single nucleotide variant.
Coding change: c.1148C>T on transcript NM_015164.4 (MANE Select); coding-DNA position 1148, C replaced by T.
Protein change: p.Thr383Met; replaces threonine 383 with methionine.
Molecular consequence: missense variant.
Genome position (GRCh38, 1-based): chr1:15,727,220, C>T. VCF-style: chr1-15727220-C-T. GRCh37 (hg19) VCF-style: chr1-16053715-C-T.
Other names: short protein forms T383M.
Identifiers: ClinVar variation 1059065 (VCV001059065.9), dbSNP rs749482191, ClinGen allele CA616871.

ClinVar aggregate classification (germline): Uncertain significance (1 of 4 stars; one submission).

Allele frequency attached by ClinVar (database versions not stated): gnomAD 0.00001 and 0.00002; TOPMed 0.00001; ExAC 0.00003.
gnomAD v4.1: 22 of 1,605,792 alleles (0.0014%); highest among the groups gnomAD compares: South Asian, 0.0078%; no homozygotes.

Submission:

Labcorp Genetics (formerly Invitae), Labcorp
Classification: Uncertain significance. Last evaluated: 2025-04-13. Review status: criteria provided, single submitter. Criteria: Invitae Variant Classification Sherloc (09022015). Collection method: clinical testing. Allele origin: germline.
Comment: This sequence change replaces threonine, which is neutral and polar, with methionine, which is neutral and non-polar, at codon 383 of the PLEKHM2 protein (p.Thr383Met). This variant is present in population databases (rs749482191, gnomAD 0.007%). This variant has not been reported in the literature in individuals affected with PLEKHM2-related conditions. ClinVar contains an entry for this variant (Variation ID: 1059065). An algorithm developed to predict the effect of missense changes on protein structure and function (PolyPhen-2) suggests that this variant is likely to be tolerated. In summary, the available evidence is currently insufficient to determine the role of this variant in disease. Therefore, it has been classified as a Variant of Uncertain Significance.